The following is an entry in ClinVar:

ClinVar aggregate classification (germline): Uncertain significance (1 of 4 stars; one submission).

Conditions:
Hereditary sensory and autonomic neuropathy type 6. Also called: Neuropathy, hereditary sensory and autonomic, type VI; HSAN VI. Identifiers: Orphanet 314381, MedGen C3539003, MONDO:0013839, OMIM 614653.
Epidermolysis bullosa simplex 3, localized or generalized intermediate, with BP230 deficiency (EBS3). Also called: Epidermolysis bullosa simplex due to BP230 deficiency; Epidermolysis bullosa simplex, autosomal recessive 2. Identifiers: Orphanet 412181, MedGen C3809470, MONDO:0014180, OMIM 615425.

Allele frequency attached by ClinVar (database versions not stated): gnomAD exomes below 0.00001; TOPMed below 0.00001.
gnomAD v4.1: 3 of 1,613,210 alleles (0.00019%); highest among the groups gnomAD compares: East Asian, 0.0022%; no homozygotes.

Submission:

Labcorp Genetics (formerly Invitae), Labcorp
Classification: Uncertain significance for Epidermolysis bullosa simplex 3, localized or generalized intermediate, with BP230 deficiency; Hereditary sensory and autonomic neuropathy type 6. Last evaluated: 2022-07-15. Review status: criteria provided, single submitter. Criteria: Invitae Variant Classification Sherloc (09022015). Collection method: clinical testing. Allele origin: germline.
Comment: In summary, the available evidence is currently insufficient to determine the role of this variant in disease. Therefore, it has been classified as a Variant of Uncertain Significance. Experimental studies and prediction algorithms are not available or were not evaluated, and the functional significance of this variant is currently unknown. This variant has not been reported in the literature in individuals affected with DST-related conditions. This variant is present in population databases (no rsID available, gnomAD 0.006%). This sequence change replaces asparagine, which is neutral and polar, with serine, which is neutral and polar, at codon 4057 of the DST protein (p.Asn4057Ser). The DST gene has multiple clinically relevant transcripts. This variant occurs in alternate transcript NM_015548.4, and corresponds to NM_001723.5:c.*117606A>G in the primary transcript.

NM_001374736.1(DST):c.20039A>G (p.Asn6680Ser)

Gene: DST (dystonin; minus strand). Cytogenetic location: 6p12.1.
Variant type: single nucleotide variant.
Coding change: c.20039A>G on transcript NM_001374736.1 (MANE Select); coding-DNA position 20039, A replaced by G.
Protein change: p.Asn6680Ser; replaces asparagine 6680 with serine.
Molecular consequence: missense variant.
Genome position (GRCh38, 1-based): chr6:56,497,911, T>C on the plus strand (A>G on the coding strand, the complement: DST is on the minus strand). VCF-style: chr6-56497911-T-C. GRCh37 (hg19) VCF-style: chr6-56362709-T-C.
Other names: c.13682A>G, p.Asn4561Ser (NM_001144769.5); c.13268A>G, p.Asn4423Ser (NM_001144770.2); c.20039A>G, p.Asn6680Ser (NM_001374722.1); c.19079A>G, p.Asn6360Ser (NM_001374729.1); c.12821A>G, p.Asn4274Ser (NM_001374730.1); c.20066A>G, p.Asn6689Ser (NM_001374734.1); c.13148A>G, p.Asn4383Ser (NM_001386100.1, NM_183380.4); c.12170A>G, p.Asn4057Ser (NM_015548.5); short protein forms N4274S, N4383S, N4057S, N6680S, N6689S, N4423S, N4561S, N6360S.
Identifiers: ClinVar variation 1941722 (VCV001941722.3), dbSNP rs1172629914, ClinGen allele CA364519115.